The following is an entry in ClinVar:

ClinVar aggregate classification (germline): Uncertain significance (1 of 4 stars; one submission).

gnomAD v4.1: 1 of 1,211,120 alleles (0.000083%); highest among the groups gnomAD compares: Non-Finnish European, 0.00011%; no homozygotes.

Submission:

GeneDx
Classification: Uncertain significance. Last evaluated: 2024-04-06. Review status: criteria provided, single submitter. Criteria: GeneDx Variant Classification Process June 2021. Collection method: clinical testing. Allele origin: germline. Affected: yes.
Comment: Not observed at significant frequency in large population cohorts (gnomAD); In silico analysis indicates that this missense variant does not alter protein structure/function; Has not been previously published as pathogenic or benign to our knowledge

NM_001008537.3(NEXMIF):c.1697C>A (p.Thr566Lys)

Gene: NEXMIF (neurite extension and migration factor; minus strand). Cytogenetic location: Xq13.3.
Variant type: single nucleotide variant.
Coding change: c.1697C>A on transcript NM_001008537.3 (MANE Select); coding-DNA position 1697, C replaced by A.
Protein change: p.Thr566Lys; replaces threonine 566 with lysine.
Molecular consequence: missense variant.
Genome position (GRCh38, 1-based): chrX:74,742,860, G>T on the plus strand (C>A on the coding strand, the complement: NEXMIF is on the minus strand). VCF-style: chrX-74742860-G-T. GRCh37 (hg19) VCF-style: chrX-73962695-G-T.
Other names: short protein forms T566K.
Identifiers: ClinVar variation 3360153 (VCV003360153.1).